The following is an entry in ClinVar:

ClinVar aggregate classification (somatic clinical impact): Tier II - Potential (1 of 4 stars; one submission).

Conditions:
Posterior fossa group A ependymoma. Identifiers: MedGen C5670548, MONDO:0956992.

Submission:

Institute for Genomic Medicine (IGM) Clinical Laboratory, Nationwide Children's Hospital
Classification: Tier II - Potential for Posterior fossa group A ependymoma. Assertion type: diagnostic. Clinical significance: supports diagnosis. Last evaluated: 2023-03-15. Review status: criteria provided, single submitter. Criteria: AMP/ASCO/CAP Guidelines, 2017. Collection method: clinical testing. Allele origin: somatic. Affected: yes.
Comment: Variant has Tier II (potential) clinical significance as a diagnostic inclusion criterion in posterior fossa group A ependymoma, based on the following evidence: 1) Documented in one or more cancer databases (e.g., St. Jude Pecan, COSMIC, CIViC, OncoKB). 2) Assists in diagnosis alone or along with other biomarkers based on small studies or few case reports (Evidence Level D; PMIDs: 34570300, 35587280).

Literature cited by the submitters: PubMed 34570300; PubMed 35587280.

NM_015338.6(ASXL1):c.1820del (p.Gly607fs)

Gene: ASXL1 (ASXL transcriptional regulator 1; plus strand). Cytogenetic location: 20q11.21.
Variant type: Deletion.
Coding change: c.1820del on transcript NM_015338.6 (MANE Select); coding-DNA position 1820, one base deleted (G; older notation c.1820delG).
Protein change: p.Gly607fs; shifts the reading frame from glycine 607.
Molecular consequence: frameshift variant.
Genome position (GRCh38, 1-based): chr20:32,434,532, G deleted; the last of 4 consecutive G bases (chr20:32,434,529-32,434,532); deleting any one gives the same sequence. VCF-style (leftmost placement, unchanged base first): chr20-32434528-CG-C. GRCh37 (hg19) VCF-style: chr20-31022331-CG-C.
Other names: c.1637del, p.Gly546fs (NM_001363734.1); short protein forms G546fs, G607fs.
Identifiers: ClinVar variation 4530207 (VCV004530207.1).